The following is an entry in ClinVar:

NM_001999.4(FBN2):c.1326dup (p.Ala443fs)

Gene: FBN2 (fibrillin 2; minus strand). Cytogenetic location: 5q23.3.
Variant type: Duplication.
Coding change: c.1326dup on transcript NM_001999.4 (MANE Select); coding-DNA position 1326, one base duplicated (T; older notation c.1326dupT).
Protein change: p.Ala443fs; shifts the reading frame from alanine 443.
Molecular consequence: frameshift variant.
Genome position (GRCh38, 1-based): chr5:128,393,274, A duplicated on the plus strand (T on the coding strand, the reverse complement: FBN2 is on the minus strand); the first of 3 consecutive A bases (chr5:128,393,274-128,393,276); duplicating any one gives the same sequence. VCF-style (leftmost placement, unchanged base first): chr5-128393273-C-CA. GRCh37 (hg19) VCF-style: chr5-127728966-C-CA.
Other names: short protein forms A443fs.
Identifiers: ClinVar variation 4712676 (VCV004712676.1).

ClinVar aggregate classification (germline): Uncertain significance (1 of 4 stars; one submission).

Conditions:
Congenital contractural arachnodactyly (CCA). Also called: Arthrogryposis, distal, type 9; BEALS SYNDROME; Beals-Hecht syndrome. Identifiers: Orphanet 115, MedGen C0220668, MONDO:0007363, OMIM 121050.

Submission:

Labcorp Genetics (formerly Invitae), Labcorp
Classification: Uncertain significance for Congenital contractural arachnodactyly. Last evaluated: 2025-02-09. Review status: criteria provided, single submitter. Criteria: Invitae Variant Classification Sherloc (09022015). Collection method: clinical testing. Allele origin: germline.
Comment: This sequence change creates a premature translational stop signal (p.Ala443Cysfs*57) in the FBN2 gene. It is expected to result in an absent or disrupted protein product. However, the current clinical and genetic evidence is not sufficient to establish whether loss-of-function variants in FBN2 cause disease. This variant is not present in population databases (gnomAD no frequency). This variant has not been reported in the literature in individuals affected with FBN2-related conditions. In summary, the available evidence is currently insufficient to determine the role of this variant in disease. Therefore, it has been classified as a Variant of Uncertain Significance.